The following is an entry in ClinVar:

ClinVar aggregate classification (germline): Uncertain significance (1 of 4 stars; one submission).

Conditions:
Fanconi anemia (FA). Also called: Fanconi's anemia. Identifiers: Orphanet 84, MedGen C0015625, MeSH D005199, MONDO:0019391.

gnomAD v4.1: 1 of 1,614,292 alleles (0.000062%); highest among the groups gnomAD compares: South Asian, 0.0011%; no homozygotes.

Submission:

Labcorp Genetics (formerly Invitae), Labcorp
Classification: Uncertain significance for Fanconi anemia. Last evaluated: 2024-02-17. Review status: criteria provided, single submitter. Criteria: Invitae Variant Classification Sherloc (09022015). Collection method: clinical testing. Allele origin: germline.
Comment: This sequence change replaces serine, which is neutral and polar, with asparagine, which is neutral and polar, at codon 1710 of the SLX4 protein (p.Ser1710Asn). This variant is not present in population databases (gnomAD no frequency). This variant has not been reported in the literature in individuals affected with SLX4-related conditions. ClinVar contains an entry for this variant (Variation ID: 1393492). Algorithms developed to predict the effect of missense changes on protein structure and function output the following: SIFT: "Not Available"; PolyPhen-2: "Benign"; Align-GVGD: "Not Available". The asparagine amino acid residue is found in multiple mammalian species, which suggests that this missense change does not adversely affect protein function. In summary, the available evidence is currently insufficient to determine the role of this variant in disease. Therefore, it has been classified as a Variant of Uncertain Significance.

NM_032444.4(SLX4):c.5129G>A (p.Ser1710Asn)

Gene: SLX4 (SLX4 structure-specific endonuclease subunit; minus strand). Cytogenetic location: 16p13.3.
Variant type: single nucleotide variant.
Coding change: c.5129G>A on transcript NM_032444.4 (MANE Select); coding-DNA position 5129, G replaced by A.
Protein change: p.Ser1710Asn; replaces serine 1710 with asparagine.
Molecular consequence: missense variant.
Genome position (GRCh38, 1-based): chr16:3,583,121, C>T on the plus strand (G>A on the coding strand, the complement: SLX4 is on the minus strand). VCF-style: chr16-3583121-C-T. GRCh37 (hg19) VCF-style: chr16-3633122-C-T.
Other names: short protein forms S1710N.
Identifiers: ClinVar variation 1393492 (VCV001393492.8), dbSNP rs2151116448, ClinGen allele CA394514502.